The following is an entry in ClinVar:

NM_000129.4(F13A1):c.1790G>T (p.Gly597Val)

Gene: F13A1 (coagulation factor XIII A chain; minus strand). Cytogenetic location: 6p25.1.
Variant type: single nucleotide variant.
Coding change: c.1790G>T on transcript NM_000129.4 (MANE Select); coding-DNA position 1790, G replaced by T.
Protein change: p.Gly597Val; replaces glycine 597 with valine.
Molecular consequence: missense variant.
Genome position (GRCh38, 1-based): chr6:6,167,576, C>A on the plus strand (G>T on the coding strand, the complement: F13A1 is on the minus strand). VCF-style: chr6-6167576-C-A. GRCh37 (hg19) VCF-style: chr6-6167809-C-A.
Other names: short protein forms G597V.
Identifiers: ClinVar variation 4978167 (VCV004978167.1).
Genomic context (GRCh38, chr6:6,167,576, plus strand): 5'-CTGGTCTCATTGATGCGAGCTGTGACAAAGAAGTGCAGGGACGCTTGTTCCAGCAGCTGA[C>A]CCATGTACTCGCCGGCTTGGATCAGCACCGCCTCTTTCTTGACTAGTAGGAGAAAACACA-3'
Protein context (NP_000120.2, residues 587-607): AVLIQAGEYM[Gly597Val]QLLEQASLHF

ClinVar aggregate classification (germline): Uncertain significance (1 of 4 stars; one submission).

Conditions:
F13A1-related disorder. Also called: F13A1-related condition.

gnomAD v4.1: 34 of 1,613,964 alleles (0.0021%); highest among the groups gnomAD compares: South Asian, 0.031%; no homozygotes.

Submission:

PreventionGenetics, part of Exact Sciences
Classification: Uncertain significance for F13A1-related condition. Last evaluated: 2026-06-25. Review status: criteria provided, single submitter. Criteria: ACMG Guidelines, 2015. Collection method: clinical testing. Allele origin: germline.
Comment: The F13A1 c.1790G>T variant is predicted to result in the amino acid substitution p.Gly597Val. To our knowledge, this variant has not been reported in the literature. This variant is reported in 0.029% of alleles in individuals of South Asian descent in gnomAD. At this time, the clinical significance of this variant is uncertain due to the absence of conclusive functional and genetic evidence.